The following is an entry in ClinVar:

ClinVar aggregate classification (germline): Uncertain significance (1 of 4 stars; one submission).

Submission:

GeneDx
Classification: Uncertain significance. Last evaluated: 2022-01-04. Review status: criteria provided, single submitter. Criteria: GeneDx Variant Classification Process June 2021. Collection method: clinical testing. Allele origin: germline. Affected: yes.
Comment: Not observed at significant frequency in large population cohorts (gnomAD); In silico analysis supports that this missense variant does not alter protein structure/function; Has not been previously published as pathogenic or benign to our knowledge

NM_001081550.2(THOC2):c.4438G>C (p.Glu1480Gln)

Gene: THOC2 (THO complex subunit 2; minus strand). Cytogenetic location: Xq25.
Variant type: single nucleotide variant.
Coding change: c.4438G>C on transcript NM_001081550.2 (MANE Select); coding-DNA position 4438, G replaced by C.
Protein change: p.Glu1480Gln; replaces glutamic acid 1480 with glutamine.
Molecular consequence: missense variant.
Genome position (GRCh38, 1-based): chrX:123,614,063, C>G on the plus strand (G>C on the coding strand, the complement: THOC2 is on the minus strand). VCF-style: chrX-123614063-C-G. GRCh37 (hg19) VCF-style: chrX-122747914-C-G.
Other names: short protein forms E1480Q.
Identifiers: ClinVar variation 1695615 (VCV001695615.2), dbSNP rs2147550123, ClinGen allele CA414261456.